The following is an entry in ClinVar:

ClinVar aggregate classification (germline): Uncertain significance. Review status: criteria provided, multiple submitters, no conflicts (2 of 4 stars). 2 submissions from 2 submitters: Uncertain significance (2). Last evaluated 2025-08-15.

Allele frequency attached by ClinVar (database versions not stated): TOPMed below 0.00001; gnomAD 0.00001; gnomAD exomes 0.00001.

Submissions (2):

Ambry Genetics
Classification: Uncertain significance. Last evaluated: 2025-08-15. Review status: criteria provided, single submitter. Criteria: Ambry Variant Classification Scheme 2023. Collection method: clinical testing. Allele origin: germline.

Labcorp Genetics (formerly Invitae), Labcorp
Classification: Uncertain significance. Last evaluated: 2024-05-28. Review status: criteria provided, single submitter. Criteria: Invitae Variant Classification Sherloc (09022015). Collection method: clinical testing. Allele origin: germline.
Comment: This sequence change replaces proline, which is neutral and non-polar, with serine, which is neutral and polar, at codon 30 of the WNT3A protein (p.Pro30Ser). This variant is present in population databases (no rsID available, gnomAD 0.006%). This variant has not been reported in the literature in individuals affected with WNT3A-related conditions. ClinVar contains an entry for this variant (Variation ID: 1938455). An algorithm developed to predict the effect of missense changes on protein structure and function (PolyPhen-2) suggests that this variant is likely to be tolerated. In summary, the available evidence is currently insufficient to determine the role of this variant in disease. Therefore, it has been classified as a Variant of Uncertain Significance.

NM_033131.4(WNT3A):c.88C>T (p.Pro30Ser)

Gene: WNT3A (Wnt family member 3A; plus strand). Cytogenetic location: 1q42.13.
Variant type: single nucleotide variant.
Coding change: c.88C>T on transcript NM_033131.4 (MANE Select); coding-DNA position 88, C replaced by T.
Protein change: p.Pro30Ser; replaces proline 30 with serine.
Molecular consequence: missense variant.
Genome position (GRCh38, 1-based): chr1:228,022,683, C>T. VCF-style: chr1-228022683-C-T. GRCh37 (hg19) VCF-style: chr1-228210384-C-T.
Other names: c.88C>T (NM_033131.3); short protein forms P30S.
Identifiers: ClinVar variation 1938455 (VCV001938455.6), dbSNP rs1329090456, ClinGen allele CA345333635.
Genomic context (GRCh38, chr1:228,022,683, plus strand): 5'-GCTGTCCCAGCCCCACACTCACCACCGGATCTTGCCCTCTGCAGGTCGCTGGCTGTTGGG[C>T]CACAGTATTCCTCCCTGGGCTCGCAGCCCATCCTGTGTGCCAGCATCCCGGGCCTGGTCC-3'
Protein context (NP_149122.1, residues 20-40): YPIWWSLAVG[Pro30Ser]QYSSLGSQPI